The following is an entry in ClinVar:

ClinVar aggregate classification (germline): Uncertain significance (1 of 4 stars; one submission).

Allele frequency attached by ClinVar (database versions not stated): gnomAD exomes below 0.00001; TOPMed 0.00001.
gnomAD v4.1: 1 of 1,614,258 alleles (0.000062%); highest among the groups gnomAD compares: African/African-American, 0.0013%; no homozygotes.

Submission:

Greenwood Genetic Center Diagnostic Laboratories, Greenwood Genetic Center
Classification: Uncertain significance. Last evaluated: 2022-07-25. Review status: criteria provided, single submitter. Criteria: ACMG Guidelines, 2015. Collection method: clinical testing. Allele origin: germline. Affected: yes.
Comment: PM2

NM_001202.6(BMP4):c.683A>G (p.Lys228Arg)

Gene: BMP4 (bone morphogenetic protein 4; minus strand). Cytogenetic location: 14q22.2.
Variant type: single nucleotide variant.
Coding change: c.683A>G on transcript NM_001202.6 (MANE Select); coding-DNA position 683, A replaced by G.
Protein change: p.Lys228Arg; replaces lysine 228 with arginine.
Molecular consequence: missense variant.
Genome position (GRCh38, 1-based): chr14:53,950,576, T>C on the plus strand (A>G on the coding strand, the complement: BMP4 is on the minus strand). VCF-style: chr14-53950576-T-C. GRCh37 (hg19) VCF-style: chr14-54417294-T-C.
Other names: c.683A>G, p.Lys228Arg (NM_001347914.2, NM_001347916.1, NM_130850.5 and 1 more transcripts); c.494A>G, p.Lys165Arg (NM_001347915.2, NM_001347917.1, NM_001347913.2); c.824A>G, p.Lys275Arg (NM_001347912.1); short protein forms K165R, K228R, K275R.
Identifiers: ClinVar variation 1710448 (VCV001710448.3), dbSNP rs1355254921, ClinGen allele CA389784181.